The following is an entry in ClinVar:

ClinVar aggregate classification (germline): Uncertain significance (1 of 4 stars; one submission).

Submission:

Labcorp Genetics (formerly Invitae), Labcorp
Classification: Uncertain significance. Last evaluated: 2024-04-05. Review status: criteria provided, single submitter. Criteria: Invitae Variant Classification Sherloc (09022015). Collection method: clinical testing. Allele origin: germline.
Comment: This sequence change replaces arginine, which is basic and polar, with leucine, which is neutral and non-polar, at codon 431 of the MBD4 protein (p.Arg431Leu). This variant is not present in population databases (gnomAD no frequency). This variant has not been reported in the literature in individuals affected with MBD4-related conditions. An algorithm developed to predict the effect of missense changes on protein structure and function (PolyPhen-2) suggests that this variant is likely to be disruptive. Algorithms developed to predict the effect of sequence changes on RNA splicing suggest that this variant may disrupt the consensus splice site. In summary, the available evidence is currently insufficient to determine the role of this variant in disease. Therefore, it has been classified as a Variant of Uncertain Significance.

NM_001276270.2(MBD4):c.1274G>T (p.Arg425Leu)

Gene: MBD4 (methyl-CpG binding domain 4, DNA glycosylase; minus strand). Cytogenetic location: 3q21.3.
Variant type: single nucleotide variant.
Coding change: c.1274G>T on transcript NM_001276270.2 (MANE Select); coding-DNA position 1274, G replaced by T.
Protein change: p.Arg425Leu; replaces arginine 425 with leucine.
Molecular consequence: missense variant.
Genome position (GRCh38, 1-based): chr3:129,433,969, C>A on the plus strand (G>T on the coding strand, the complement: MBD4 is on the minus strand). VCF-style: chr3-129433969-C-A. GRCh37 (hg19) VCF-style: chr3-129152812-C-A.
Other names: c.1292G>T, p.Arg431Leu (NM_001276271.2, NM_001276272.2, NM_003925.3); c.338G>T, p.Arg113Leu (NM_001276273.2); short protein forms R113L, R425L, R431L.
Identifiers: ClinVar variation 2880704 (VCV002880704.3), dbSNP rs373218090, ClinGen allele CA354466073.
Genomic context (GRCh38, chr3:129,433,969, plus strand): 5'-GTTTCTTGAACGAGATTAAAAGGTGACCGAGGAGGTGTCCATTTCTTAAAGGCTTTACGT[C>A]GTGGGGGGCTAAGAGCTAAACAAACATAGTGCATCAGAATTGAAAACCCAAAATGGAATT-3'
Protein context (NP_001263199.1, residues 415-435): KYNKEALSPP[Arg425Leu]RKAFKKWTPP